The following is an entry in ClinVar:

ClinVar aggregate classification (germline): Uncertain significance. Review status: criteria provided, multiple submitters, no conflicts (2 of 4 stars). 2 submissions from 2 submitters: Uncertain significance (2). Last evaluated 2022-10-05.

Conditions:
Desmin-related myofibrillar myopathy (MFM1). Also called: Desminopathy; Desmin related myopathy (former name); Desmin storage myopathy (former name); MYOFIBRILLAR MYOPATHY WITH ARRHYTHMOGENIC RIGHT VENTRICULAR CARDIOMYOPATHY; DESMIN-RELATED MYOPATHY WITH ARRHYTHMOGENIC RIGHT VENTRICULAR CARDIOMYOPATHY; Myofibrillar myopathy 1. Identifiers: Orphanet 363543, Orphanet 98909, MedGen C1832370, MONDO:0011076, OMIM 601419.

Submissions (2):

Labcorp Genetics (formerly Invitae), Labcorp
Classification: Uncertain significance for Desmin-related myofibrillar myopathy. Last evaluated: 2022-10-05. Review status: criteria provided, single submitter. Criteria: Invitae Variant Classification Sherloc (09022015). Collection method: clinical testing. Allele origin: germline.
Comment: This sequence change replaces alanine, which is neutral and non-polar, with serine, which is neutral and polar, at codon 204 of the DES protein (p.Ala204Ser). In summary, the available evidence is currently insufficient to determine the role of this variant in disease. Therefore, it has been classified as a Variant of Uncertain Significance. Advanced modeling of protein sequence and biophysical properties (such as structural, functional, and spatial information, amino acid conservation, physicochemical variation, residue mobility, and thermodynamic stability) has been performed at Invitae for this missense variant, however the output from this modeling did not meet the statistical confidence thresholds required to predict the impact of this variant on DES protein function. ClinVar contains an entry for this variant (Variation ID: 657130). This variant has not been reported in the literature in individuals affected with DES-related conditions. This variant is not present in population databases (gnomAD no frequency).

Revvity Omics, Revvity
Classification: Uncertain significance. Last evaluated: 2021-10-12. Review status: criteria provided, single submitter. Criteria: ACMG Guidelines, 2015. Collection method: clinical testing. Allele origin: germline.

NM_001927.4(DES):c.610G>T (p.Ala204Ser)

Gene: DES (desmin; plus strand). Cytogenetic location: 2q35.
Variant type: single nucleotide variant.
Coding change: c.610G>T on transcript NM_001927.4 (MANE Select); coding-DNA position 610, G replaced by T.
Protein change: p.Ala204Ser; replaces alanine 204 with serine.
Molecular consequence: missense variant.
Genome position (GRCh38, 1-based): chr2:219,420,126, G>T. VCF-style: chr2-219420126-G-T. GRCh37 (hg19) VCF-style: chr2-220284848-G-T.
Other names: c.610G>T (LRG_380t1); short protein forms A204S.
Identifiers: ClinVar variation 657130 (VCV000657130.11), dbSNP rs1575014034, ClinGen allele CA350689871.